The following is an entry in ClinVar:

NM_201384.3(PLEC):c.13468C>A (p.Arg4490Ser)

Gene: PLEC (plectin; minus strand). Cytogenetic location: 8q24.3.
Variant type: single nucleotide variant.
Coding change: c.13468C>A on transcript NM_201384.3 (MANE Select); coding-DNA position 13468, C replaced by A.
Protein change: p.Arg4490Ser; replaces arginine 4490 with serine.
Molecular consequence: missense variant.
Genome position (GRCh38, 1-based): chr8:143,916,353, G>T on the plus strand (C>A on the coding strand, the complement: PLEC is on the minus strand). VCF-style: chr8-143916353-G-T. GRCh37 (hg19) VCF-style: chr8-144990521-G-T.
Other names: p.Arg4517Ser; c.13549C>A, p.Arg4517Ser (NM_000445.5); c.13426C>A, p.Arg4476Ser (NM_201378.4); c.13402C>A, p.Arg4468Ser (NM_201379.3); c.13879C>A, p.Arg4627Ser (NM_201380.4); c.13372C>A, p.Arg4458Ser (NM_201381.3); c.13468C>A, p.Arg4490Ser (NM_201382.4); c.13480C>A, p.Arg4494Ser (NM_201383.3); and 1 more; short protein forms R4476S, R4458S, R4468S, R4517S, R4627S, R4494S, R4490S.
Identifiers: ClinVar variation 283285 (VCV000283285.17), dbSNP rs782717056, ClinGen allele CA4923798.
Genomic context (GRCh38, chr8:143,916,353, plus strand): 5'-CGGTGGCGTCAAAGCTGCCGCGGCGGGAGCCGGCCCGGGAGCCGGTGCGCGAGCCGGTGC[G>T]GGAGCCAGCGGTAGAGCCGGAGCCGCTGACGCTGTAGGGGCTGTAGTAGCCCTTGGTGGA-3'
Protein context (NP_958786.1, residues 4480-4500): VSGSGSTAGS[Arg4490Ser]TGSRTGSRAG

ClinVar aggregate classification (germline): Uncertain significance. Review status: criteria provided, multiple submitters, no conflicts (2 of 4 stars). 6 submissions from 6 submitters: Uncertain significance (6). Last evaluated 2026-09-09.

Conditions:
PLEC-related disorder. Also called: PLEC-related condition; PLEC-related disorders.
Epidermolysis bullosa simplex 5C, with pyloric atresia (EBS5C). Also called: PLEC-Related Epidermolysis Bullosa with Pyloric Atresia; Epidermolysis bullosa simplex with pyloric atresia; PLEC1-Related Epidermolysis Bullosa with Pyloric Atresia. Identifiers: Orphanet 158684, MedGen C2677349, MONDO:0012807, OMIM 612138.
Epidermolysis bullosa simplex with nail dystrophy (EBS5D). Identifiers: MedGen C4225309, MONDO:0014661, OMIM 616487.
Autosomal recessive limb-girdle muscular dystrophy type 2Q (LGMDR17). Also called: MUSCULAR DYSTROPHY, LIMB-GIRDLE, AUTOSOMAL RECESSIVE 17. Identifiers: Orphanet 254361, MedGen C3150989, MONDO:0013390, OMIM 613723.
Epidermolysis bullosa simplex, Ogna type (EBS5A). Also called: Pidermolysis bullosa simplex 5A, Ogna type; EPIDERMOLYSIS BULLOSA SIMPLEX 5A, OGNA TYPE. Identifiers: Orphanet 79401, MedGen C0432317, MONDO:0007555, OMIM 131950.
Epidermolysis bullosa simplex 5B, with muscular dystrophy (EBS5B). Also called: EPIDERMOLYSIS BULLOSA SIMPLEX AND LIMB-GIRDLE MUSCULAR DYSTROPHY; Epidermolysis bullosa simplex with muscular dystrophy. Identifiers: Orphanet 257, MedGen C2931072, MONDO:0009181, OMIM 226670.
Inborn genetic diseases. Identifiers: MedGen C0950123, MeSH D030342.

Allele frequency attached by ClinVar (database versions not stated): TOPMed 0.00006.
gnomAD v4.1: 160 of 1,605,860 alleles (0.01%); highest among the groups gnomAD compares: Non-Finnish European, 0.012%; no homozygotes.

Submissions (6):

PreventionGenetics, part of Exact Sciences
Classification: Uncertain significance for PLEC-related condition. Last evaluated: 2026-09-09. Review status: criteria provided, single submitter. Criteria: ACMG Guidelines, 2015. Collection method: clinical testing. Allele origin: germline.
Comment: The PLEC c.13549C>A variant is predicted to result in the amino acid substitution p.Arg4517Ser. To our knowledge, this variant has not been reported in the literature. This variant is reported in 0.0095% of alleles in individuals of European (Non-Finnish) descent in gnomAD. At this time, the clinical significance of this variant is uncertain due to the absence of conclusive functional and genetic evidence.

Labcorp Genetics (formerly Invitae), Labcorp
Classification: Uncertain significance for Autosomal recessive limb-girdle muscular dystrophy type 2Q; Epidermolysis bullosa simplex, Ogna type; Epidermolysis bullosa simplex with nail dystrophy; Epidermolysis bullosa simplex 5C, with pyloric atresia; Epidermolysis bullosa simplex 5B, with muscular dystrophy. Last evaluated: 2026-01-24. Review status: criteria provided, single submitter. Criteria: Invitae Variant Classification Sherloc (09022015). Collection method: clinical testing. Allele origin: germline.
Comment: This sequence change replaces arginine, which is basic and polar, with serine, which is neutral and polar, at codon 4517 of the PLEC protein (p.Arg4517Ser). This variant is present in population databases (rs782717056, gnomAD 0.009%). This variant has not been reported in the literature in individuals affected with PLEC-related conditions. ClinVar contains an entry for this variant (Variation ID: 283285). Invitae Evidence Modeling of protein sequence and biophysical properties (such as structural, functional, and spatial information, amino acid conservation, physicochemical variation, residue mobility, and thermodynamic stability) indicates that this missense variant is expected to disrupt PLEC protein function with a positive predictive value of 80%. In summary, the available evidence is currently insufficient to determine the role of this variant in disease. Therefore, it has been classified as a Variant of Uncertain Significance.

Mayo Clinic Laboratories, Mayo Clinic
Classification: Uncertain significance. Last evaluated: 2025-06-26. Review status: criteria provided, single submitter. Criteria: ACMG Guidelines, 2015. Collection method: clinical testing. Allele origin: germline. Observed: 1 variant allele.

Ambry Genetics
Classification: Uncertain significance for Inborn genetic diseases. Last evaluated: 2025-04-21. Review status: criteria provided, single submitter. Criteria: Ambry Variant Classification Scheme 2023. Collection method: clinical testing. Allele origin: germline.

Revvity Omics, Revvity
Classification: Uncertain significance. Last evaluated: 2019-11-08. Review status: criteria provided, single submitter. Criteria: ACMG Guidelines, 2015. Collection method: clinical testing. Allele origin: germline.

Eurofins Ntd Llc (ga)
Classification: Uncertain significance. Last evaluated: 2015-09-04. Review status: criteria provided, single submitter. Criteria: EGL Classification Definitions 2015. Collection method: clinical testing. Allele origin: germline. Observed: 2 variant alleles, 2 heterozygotes.